The following is an entry in ClinVar:

ClinVar aggregate classification (germline): Uncertain significance. Review status: criteria provided, multiple submitters, no conflicts (2 of 4 stars). 2 submissions from 2 submitters: Uncertain significance (2). Last evaluated 2025-10-04.

Conditions:
Ullrich congenital muscular dystrophy 2 (UCMD2). Identifiers: Orphanet 75840, MedGen C4225314, MONDO:0014654, OMIM 616470.
Bethlem myopathy 2 (BTHLM2). Identifiers: Orphanet 536516, Orphanet 610, MedGen C4225313, MONDO:0034022, OMIM 616471.

Submissions (2):

Labcorp Genetics (formerly Invitae), Labcorp
Classification: Uncertain significance for Bethlem myopathy 2; Ullrich congenital muscular dystrophy 2. Last evaluated: 2025-10-04. Review status: criteria provided, single submitter. Criteria: Invitae Variant Classification Sherloc (09022015). Collection method: clinical testing. Allele origin: germline.
Comment: This sequence change falls in intron 53 of the COL12A1 gene. It does not directly change the encoded amino acid sequence of the COL12A1 protein. It affects a nucleotide within the consensus splice site. This variant is not present in population databases (gnomAD no frequency). This variant has not been reported in the literature in individuals affected with COL12A1-related conditions. Variants that disrupt the consensus splice site are a relatively common cause of aberrant splicing (PMID: 17576681, 9536098). Algorithms developed to predict the effect of sequence changes on RNA splicing suggest that this variant may disrupt the consensus splice site. In summary, the available evidence is currently insufficient to determine the role of this variant in disease. Therefore, it has been classified as a Variant of Uncertain Significance.

Blueprint Genetics
Classification: Uncertain significance. Last evaluated: 2024-08-28. Review status: criteria provided, single submitter. Criteria: ACMG Guidelines, 2015. Collection method: clinical testing. Allele origin: germline.

Literature cited by the submitters: PubMed 17576681 (cited by Labcorp Genetics (formerly Invitae), Labcorp); PubMed 9536098 (cited by Labcorp Genetics (formerly Invitae), Labcorp).

NM_004370.6(COL12A1):c.8178+5G>A

Gene: COL12A1 (collagen type XII alpha 1 chain; minus strand). Cytogenetic location: 6q13.
Variant type: single nucleotide variant.
Coding change: c.8178+5G>A on transcript NM_004370.6 (MANE Select); 5 bases into the intron after coding-DNA position 8178, G replaced by A.
Molecular consequence: intron variant.
Genome position (GRCh38, 1-based): chr6:75,106,414, C>T on the plus strand (G>A on the coding strand, the complement: COL12A1 is on the minus strand). VCF-style: chr6-75106414-C-T. GRCh37 (hg19) VCF-style: chr6-75816130-C-T.
Other names: c.4686+5G>A (NM_001424116.1, NM_080645.3); c.7905+5G>A (NM_001424115.1); c.8157+5G>A (NM_001424114.1); c.8178+5G>A (NM_001424113.1).
Identifiers: ClinVar variation 4786311 (VCV004786311.2).